The following is an entry in ClinVar:

ClinVar aggregate classification (germline): Uncertain significance. Review status: criteria provided, multiple submitters, no conflicts (2 of 4 stars). 2 submissions from 2 submitters: Uncertain significance (2). Last evaluated 2024-02-17.

Conditions:
Cowden syndrome 7 (CWS7). Identifiers: Orphanet 201, MedGen C4225179, MONDO:0014802, OMIM 616858.
Congenital dyserythropoietic anemia, type II (CDAN2). Also called: DYSERYTHROPOIETIC ANEMIA, HEMPAS TYPE. Identifiers: Orphanet 98873, MedGen C1306589, MONDO:0009134, OMIM 224100.

Submissions (2):

Labcorp Genetics (formerly Invitae), Labcorp
Classification: Uncertain significance for Congenital dyserythropoietic anemia, type II; Cowden syndrome 7. Last evaluated: 2024-02-17. Review status: criteria provided, single submitter. Criteria: Invitae Variant Classification Sherloc (09022015). Collection method: clinical testing. Allele origin: germline.
Comment: This sequence change replaces alanine, which is neutral and non-polar, with threonine, which is neutral and polar, at codon 68 of the SEC23B protein (p.Ala68Thr). This variant is not present in population databases (gnomAD no frequency). This variant has not been reported in the literature in individuals affected with SEC23B-related conditions. ClinVar contains an entry for this variant (Variation ID: 897909). Advanced modeling of protein sequence and biophysical properties (such as structural, functional, and spatial information, amino acid conservation, physicochemical variation, residue mobility, and thermodynamic stability) performed at Invitae indicates that this missense variant is not expected to disrupt SEC23B protein function with a negative predictive value of 80%. In summary, the available evidence is currently insufficient to determine the role of this variant in disease. Therefore, it has been classified as a Variant of Uncertain Significance.

Illumina Laboratory Services, Illumina
Classification: Uncertain significance for Congenital dyserythropoietic anemia, type II. Last evaluated: 2018-04-20. Review status: criteria provided, single submitter. Criteria: ICSL Variant Classification Criteria 13 December 2019. Collection method: clinical testing. Allele origin: germline.

NM_006363.6(SEC23B):c.202G>A (p.Ala68Thr)

Gene: SEC23B (SEC23 homolog B, COPII component; plus strand). Cytogenetic location: 20p11.23.
Variant type: single nucleotide variant.
Coding change: c.202G>A on transcript NM_006363.6 (MANE Select); coding-DNA position 202, G replaced by A.
Protein change: p.Ala68Thr; replaces alanine 68 with threonine.
Molecular consequence: missense variant.
Genome position (GRCh38, 1-based): chr20:18,511,037, G>A. VCF-style: chr20-18511037-G-A. GRCh37 (hg19) VCF-style: chr20-18491681-G-A.
Other names: c.202G>A, p.Ala68Thr (NM_001172745.3, NM_001172746.3, NM_032985.6 and 1 more transcripts); short protein forms A68T.
Identifiers: ClinVar variation 897909 (VCV000897909.6), dbSNP rs2059977778, ClinGen allele CA408355907.